The following is an entry in ClinVar:

ClinVar aggregate classification (germline): Benign. Review status: criteria provided, multiple submitters, no conflicts (2 of 4 stars). 7 submissions from 7 submitters: Benign (6). 1 of the submissions does not count toward it. Last evaluated 2026-01-26.

Conditions:
DOCK8-related disorder. Also called: DOCK8-related condition.
Combined immunodeficiency due to DOCK8 deficiency (HIES2). Also called: HYPER-IgE SYNDROME 2, AUTOSOMAL RECESSIVE, WITH RECURRENT INFECTIONS; DOCK8 Deficiency; HIES autosomal recessive; HYPER-IgE RECURRENT INFECTION SYNDROME 2, AUTOSOMAL RECESSIVE; Hyper-IgE recurrent infection syndrome, autosomal recessive. Identifiers: Orphanet 217390, MedGen C4722305, MONDO:0009478, OMIM 243700.

Allele frequency attached by ClinVar (database versions not stated): gnomAD exomes 0.00143; ExAC 0.00168; ESP Exome Variant Server 0.00469; gnomAD 0.00483 and 0.00514; TOPMed 0.00506; 1000 Genomes Project 0.00519; 1000 Genomes Project 30x 0.00578.
gnomAD v4.1: 1,597 of 1,614,116 alleles (0.099%); highest among the groups gnomAD compares: African/African-American, 1.6%; 14 homozygotes.

Submissions (7):

Labcorp Genetics (formerly Invitae), Labcorp
Classification: Benign for Combined immunodeficiency due to DOCK8 deficiency. Last evaluated: 2026-01-26. Review status: criteria provided, single submitter. Criteria: Invitae Variant Classification Sherloc (09022015). Collection method: clinical testing. Allele origin: germline.

Mayo Clinic Laboratories, Mayo Clinic
Classification: Benign. Last evaluated: 2024-10-17. Review status: criteria provided, single submitter. Criteria: ACMG Guidelines, 2015. Collection method: clinical testing. Allele origin: germline. Observed: 2 variant alleles.
Comment: BS1, BS2

Genetic Services Laboratory, University of Chicago
Classification: Benign. Last evaluated: 2021-12-23. Review status: criteria provided, single submitter. Criteria: ACMG Guidelines, 2015. Collection method: clinical testing. Allele origin: germline. Affected: no.

Illumina Laboratory Services, Illumina
Classification: Benign for Combined immunodeficiency due to DOCK8 deficiency. Last evaluated: 2018-01-13. Review status: criteria provided, single submitter. Criteria: ICSL Variant Classification Criteria 13 December 2019. Collection method: clinical testing. Allele origin: germline.
Comment: This variant was observed in the ICSL laboratory as part of a predisposition screen in an ostensibly healthy population. It had not been previously curated by ICSL or reported in the Human Gene Mutation Database (HGMD: prior to June 1st, 2018), and was therefore a candidate for classification through an automated scoring system. Utilizing variant allele frequency, disease prevalence and penetrance estimates, and inheritance mode, an automated score was calculated to assess if this variant is too frequent to cause the disease. Based on the score and internal cut-off values, a variant classified as benign is not then subjected to further curation. The score for this variant resulted in a classification of benign for this disease.

GeneDx
Classification: Benign. Last evaluated: 2014-02-26. Review status: criteria provided, single submitter. Criteria: GeneDx Variant Classification (06012015). Collection method: clinical testing. Allele origin: germline. Affected: yes.
Comment: This variant is considered likely benign or benign based on one or more of the following criteria: it is a conservative change, it occurs at a poorly conserved position in the protein, it is predicted to be benign by multiple in silico algorithms, and/or has population frequency not consistent with disease.

Breakthrough Genomics
Classification: Benign. Review status: criteria provided, single submitter. Criteria: ACMG Guidelines, 2015. Collection method: not provided. Allele origin: germline. Inheritance: Autosomal recessive inheritance. Affected: yes.

PreventionGenetics, part of Exact Sciences
Classification: Benign for DOCK8-related condition. Last evaluated: 2019-07-11. Review status: no assertion criteria provided. Collection method: clinical testing. Allele origin: germline. Not counted in ClinVar's aggregate classification.
Comment: This variant is classified as benign based on ACMG/AMP sequence variant interpretation guidelines (Richards et al. 2015 PMID: 25741868, with internal and published modifications).

NM_203447.4(DOCK8):c.5154C>T (p.Cys1718=)

Gene: DOCK8 (dedicator of cytokinesis 8; plus strand). Cytogenetic location: 9p24.3.
Variant type: single nucleotide variant.
Coding change: c.5154C>T on transcript NM_203447.4 (MANE Select); coding-DNA position 5154, C replaced by T.
Protein change: p.Cys1718=; no amino-acid change (cysteine 1718 retained).
Molecular consequence: synonymous variant.
Genome position (GRCh38, 1-based): chr9:439,319, C>T. VCF-style: chr9-439319-C-T. GRCh37 (hg19) VCF-style: chr9-439319-C-T.
Other names: p.C1650C:TGC>TGT; p.Cys1718=; c.4854C>T, p.Cys1618= (NM_001190458.2); c.4950C>T, p.Cys1650= (NM_001193536.2).
Identifiers: ClinVar variation 137148 (VCV000137148.22), dbSNP rs140431229, ClinGen allele CA290675.